The following is an entry in ClinVar:

ClinVar aggregate classification (germline): Conflicting classifications of pathogenicity. Review status: criteria provided, conflicting classifications (1 of 4 stars). 2 submissions from 2 submitters: Uncertain significance (1); Likely benign (1). Last evaluated 2025-03-21.

Allele frequency attached by ClinVar (database versions not stated): gnomAD exomes 0.00003 and 0.00020; gnomAD 0.00004 and 0.00009; TOPMed 0.00004; ExAC 0.00012; 1000 Genomes Project 0.00100; 1000 Genomes Project 30x 0.00109.
gnomAD v4.1: 63 of 1,614,182 alleles (0.0039%); highest among the groups gnomAD compares: East Asian, 0.13%; 1 homozygote.

Submissions (2):

GeneDx
Classification: Uncertain significance. Last evaluated: 2025-03-21. Review status: criteria provided, single submitter. Criteria: GeneDx Variant Classification Process June 2021. Collection method: clinical testing. Allele origin: germline. Affected: yes.
Comment: In silico analysis indicates that this missense variant does not alter protein structure/function; Has not been previously published as pathogenic or benign to our knowledge

Labcorp Genetics (formerly Invitae), Labcorp
Classification: Likely benign. Last evaluated: 2024-12-03. Review status: criteria provided, single submitter. Criteria: Invitae Variant Classification Sherloc (09022015). Collection method: clinical testing. Allele origin: germline.

NM_018444.4(PDP1):c.154T>C (p.Tyr52His)

Gene: PDP1 (pyruvate dehydrogenase phosphatase catalytic subunit 1; plus strand). Cytogenetic location: 8q22.1.
Variant type: single nucleotide variant.
Coding change: c.154T>C on transcript NM_018444.4 (MANE Select); coding-DNA position 154, T replaced by C.
Protein change: p.Tyr52His; replaces tyrosine 52 with histidine.
Molecular consequence: missense variant.
Genome position (GRCh38, 1-based): chr8:93,922,213, T>C. VCF-style: chr8-93922213-T-C. GRCh37 (hg19) VCF-style: chr8-94934441-T-C.
Other names: c.229T>C, p.Tyr77His (NM_001161779.2, NM_001161780.2); c.154T>C, p.Tyr52His (NM_001161781.2); c.154T>C (NM_018444.3); short protein forms Y52H, Y77H.
Identifiers: ClinVar variation 1103750 (VCV001103750.10), dbSNP rs140713866, ClinGen allele CA4808661.
Genomic context (GRCh38, chr8:93,922,213, plus strand): 5'-CTCTGTTGTTCCTCATCGTACATTCCTCAGAGTCGACTGAGATACACACCTCATCCAGCA[T>C]ATGCTACCTTTTGCAGGCCAAAGGAGAACTGGTGGCAGTACACCCAAGGAAGGAGATATG-3'
Protein context (NP_060914.2, residues 42-62): SRLRYTPHPA[Tyr52His]ATFCRPKENW